The following is an entry in ClinVar:

ClinVar aggregate classification (germline): Uncertain significance. Review status: criteria provided, multiple submitters, no conflicts (2 of 4 stars). 2 submissions from 2 submitters: Uncertain significance (2). Last evaluated 2025-08-01.

Conditions:
Renal cell carcinoma. Identifiers: Orphanet 217071, MedGen C0007134, MeSH D002292, MONDO:0005086, HP:0005584.
Hereditary cancer-predisposing syndrome. Also called: Hereditary neoplastic syndrome; Neoplastic Syndromes, Hereditary; Tumor predisposition; Hereditary Cancer Syndrome. Identifiers: Orphanet 140162, MedGen C0027672, MeSH D009386, MONDO:0015356.

Allele frequency attached by ClinVar (database versions not stated): gnomAD exomes 0.00001; ExAC 0.00002.
gnomAD v4.1: 28 of 1,613,996 alleles (0.0017%); highest among the groups gnomAD compares: Non-Finnish European, 0.0024%; no homozygotes.

Submissions (2):

Ambry Genetics
Classification: Uncertain significance for Hereditary cancer-predisposing syndrome. Last evaluated: 2025-08-01. Review status: criteria provided, single submitter. Criteria: Ambry Variant Classification Scheme 2023. Collection method: clinical testing. Allele origin: germline.
Comment: The p.A66S variant (also known as c.196G>T), located in coding exon 1 of the MET gene, results from a G to T substitution at nucleotide position 196. The alanine at codon 66 is replaced by serine, an amino acid with similar properties. This amino acid position is highly conserved in available vertebrate species. In addition, the in silico prediction for this alteration is inconclusive. Since supporting evidence is limited at this time, the clinical significance of this alteration remains unclear.

Labcorp Genetics (formerly Invitae), Labcorp
Classification: Uncertain significance for Renal cell carcinoma. Last evaluated: 2025-03-22. Review status: criteria provided, single submitter. Criteria: Invitae Variant Classification Sherloc (09022015). Collection method: clinical testing. Allele origin: germline.
Comment: This sequence change replaces alanine, which is neutral and non-polar, with serine, which is neutral and polar, at codon 66 of the MET protein (p.Ala66Ser). This variant is present in population databases (rs770341307, gnomAD 0.003%). This missense change has been observed in individual(s) with renal cell carcinoma (PMID: 35441217). ClinVar contains an entry for this variant (Variation ID: 1006321). Invitae Evidence Modeling of protein sequence and biophysical properties (such as structural, functional, and spatial information, amino acid conservation, physicochemical variation, residue mobility, and thermodynamic stability) indicates that this missense variant is not expected to disrupt MET protein function with a negative predictive value of 80%. In summary, the available evidence is currently insufficient to determine the role of this variant in disease. Therefore, it has been classified as a Variant of Uncertain Significance.

Literature cited by the submitters: PubMed 35441217 (cited by Labcorp Genetics (formerly Invitae), Labcorp).

NM_000245.4(MET):c.196G>T (p.Ala66Ser)

Gene: MET (MET proto-oncogene, receptor tyrosine kinase; plus strand). Cytogenetic location: 7q31.2.
Variant type: single nucleotide variant.
Coding change: c.196G>T on transcript NM_000245.4 (MANE Select); coding-DNA position 196, G replaced by T.
Protein change: p.Ala66Ser; replaces alanine 66 with serine.
Molecular consequence: missense variant. On other transcripts: intron variant (1).
Genome position (GRCh38, 1-based): chr7:116,699,280, G>T. VCF-style: chr7-116699280-G-T. GRCh37 (hg19) VCF-style: chr7-116339334-G-T.
Other names: c.196G>T, p.Ala66Ser (NM_001127500.3, NM_001324401.3); c.-91+26703G>T (NM_001324402.2); short protein forms A66S.
Identifiers: ClinVar variation 1006321 (VCV001006321.12), dbSNP rs770341307, ClinGen allele CA4447957.